The following is an entry in ClinVar:

NM_005076.5(CNTN2):c.1609A>G (p.Thr537Ala)

Gene: CNTN2 (contactin 2; plus strand). Cytogenetic location: 1q32.1.
Variant type: single nucleotide variant.
Coding change: c.1609A>G on transcript NM_005076.5 (MANE Select); coding-DNA position 1609, A replaced by G.
Protein change: p.Thr537Ala; replaces threonine 537 with alanine.
Molecular consequence: missense variant. On other transcripts: non-coding transcript variant (1).
Genome position (GRCh38, 1-based): chr1:205,065,176, A>G. VCF-style: chr1-205065176-A-G. GRCh37 (hg19) VCF-style: chr1-205034304-A-G.
Other names: c.1609A>G, p.Thr537Ala (NM_001346083.2); short protein forms T537A.
Identifiers: ClinVar variation 2172304 (VCV002172304.4), dbSNP rs1654212331, ClinGen allele CA344375470.

ClinVar aggregate classification (germline): Uncertain significance (1 of 4 stars; one submission).

Conditions:
Epilepsy, familial adult myoclonic, 5 (EPEO5). Also called: CORTICAL MYOCLONIC TREMOR WITH EPILEPSY, FAMILIAL, 5. Identifiers: Orphanet 86814, MedGen C3809374, MONDO:0014167, OMIM 615400.

Allele frequency attached by ClinVar (database versions not stated): gnomAD exomes below 0.00001; TOPMed 0.00001; gnomAD 0.00002.
gnomAD v4.1: 4 of 1,613,868 alleles (0.00025%); highest among the groups gnomAD compares: African/African-American, 0.004%; no homozygotes.

Submission:

Labcorp Genetics (formerly Invitae), Labcorp
Classification: Uncertain significance for Epilepsy, familial adult myoclonic, 5. Last evaluated: 2022-05-28. Review status: criteria provided, single submitter. Criteria: Invitae Variant Classification Sherloc (09022015). Collection method: clinical testing. Allele origin: germline.
Comment: This variant has not been reported in the literature in individuals affected with CNTN2-related conditions. Advanced modeling of protein sequence and biophysical properties (such as structural, functional, and spatial information, amino acid conservation, physicochemical variation, residue mobility, and thermodynamic stability) performed at Invitae indicates that this missense variant is not expected to disrupt CNTN2 protein function. In summary, the available evidence is currently insufficient to determine the role of this variant in disease. Therefore, it has been classified as a Variant of Uncertain Significance. This variant is not present in population databases (gnomAD no frequency). This sequence change replaces threonine, which is neutral and polar, with alanine, which is neutral and non-polar, at codon 537 of the CNTN2 protein (p.Thr537Ala).